The following is an entry in ClinVar:

ClinVar aggregate classification (germline): Conflicting classifications of pathogenicity. Review status: criteria provided, conflicting classifications (1 of 4 stars). 2 submissions from 2 submitters: Likely pathogenic (1); Uncertain significance (1). Last evaluated 2025-11-12.

Conditions:
Dilated cardiomyopathy 1G (CMD1G). Identifiers: Orphanet 154, MedGen C1858763, MONDO:0011400, OMIM 604145.
Autosomal recessive limb-girdle muscular dystrophy type 2J (LGMDR10). Also called: Limb-girdle muscular dystrophy, type 2J; MUSCULAR DYSTROPHY, LIMB-GIRDLE, AUTOSOMAL RECESSIVE 10. Identifiers: Orphanet 140922, MedGen C1837342, MONDO:0012127, OMIM 608807.

Submissions (2):

GeneDx
Classification: Likely pathogenic. Last evaluated: 2025-11-12. Review status: criteria provided, single submitter. Criteria: GeneDx Variant Classification Process June 2021. Collection method: clinical testing. Allele origin: germline. Affected: yes.
Comment: Identified in a patient with dilated cardiomyopathy in the published literature (PMID: 33106378); Nonsense variant predicted to result in protein truncation or nonsense mediated decay in a gene or region of a gene for which loss of function is not a well-established mechanism of disease; Not observed at significant frequency in large population cohorts (gnomAD); This variant is associated with the following publications: (PMID: 25589632, 23975875, 22335739, 26701604, 33106378, 33449170)

Labcorp Genetics (formerly Invitae), Labcorp
Classification: Uncertain significance for Dilated cardiomyopathy 1G; Limb-girdle muscular dystrophy, type 2J. Last evaluated: 2019-08-30. Review status: criteria provided, single submitter. Criteria: Invitae Variant Classification Sherloc (09022015). Collection method: clinical testing. Allele origin: germline.
Comment: This sequence change results in a premature translational stop signal in the TTN gene (p.Ser1994*). While this is not anticipated to result in nonsense mediated decay, it is expected to create a truncated TTN protein. This variant is not present in population databases (ExAC no frequency). This variant has not been reported in the literature in individuals with TTN-related disease. This variant is located in the Z band of TTN (PMID: 25589632). Truncating variants in this region have been shown to be highly prevalent in the general population and unaffected individuals (PMID: 26701604, 22335739). However, truncating variants in this region have also been reported in individuals affected with autosomal recessive centronuclear myopathy (PMID: 23975875). In summary, the available evidence is currently insufficient to determine the role of this variant in disease. Therefore, it has been classified as a Variant of Uncertain Significance.

Literature cited by the submitters: PubMed 22335739 (cited by Labcorp Genetics (formerly Invitae), Labcorp); PubMed 23975875 (cited by Labcorp Genetics (formerly Invitae), Labcorp); PubMed 25589632 (cited by Labcorp Genetics (formerly Invitae), Labcorp); PubMed 26701604 (cited by Labcorp Genetics (formerly Invitae), Labcorp).

NM_001267550.2(TTN):c.5981C>A (p.Ser1994Ter)

Gene: TTN (titin; minus strand). Cytogenetic location: 2q31.2.
Variant type: single nucleotide variant.
Coding change: c.5981C>A on transcript NM_001267550.2 (MANE Select); coding-DNA position 5981, C replaced by A.
Protein change: p.Ser1994Ter; replaces serine 1994 with a stop codon.
Molecular consequence: nonsense.
Genome position (GRCh38, 1-based): chr2:178,775,883, G>T on the plus strand (C>A on the coding strand, the complement: TTN is on the minus strand). VCF-style: chr2-178775883-G-T. GRCh37 (hg19) VCF-style: chr2-179640610-G-T.
Other names: c.5981C>A (NM_001267550.1); c.5981C>A, p.Ser1994Ter (NM_001256850.1, NM_133378.4, NM_133379.5); c.5843C>A, p.Ser1948Ter (NM_003319.4, NM_133432.3, NM_133437.4); short protein forms S1948*, S1994*.
Identifiers: ClinVar variation 642471 (VCV000642471.4), dbSNP rs758483877, ClinGen allele CA349445132.